The following is an entry in ClinVar:

NM_021076.4(NEFH):c.748G>T (p.Ala250Ser)

Gene: NEFH (neurofilament heavy chain; plus strand). Cytogenetic location: 22q12.2.
Variant type: single nucleotide variant.
Coding change: c.748G>T on transcript NM_021076.4 (MANE Select); coding-DNA position 748, G replaced by T.
Protein change: p.Ala250Ser; replaces alanine 250 with serine.
Molecular consequence: missense variant.
Genome position (GRCh38, 1-based): chr22:29,481,010, G>T. VCF-style: chr22-29481010-G-T. GRCh37 (hg19) VCF-style: chr22-29876999-G-T.
Other names: short protein forms A250S.
Identifiers: ClinVar variation 1477543 (VCV001477543.6), dbSNP rs971751859, ClinGen allele CA323083147.

ClinVar aggregate classification (germline): Uncertain significance (1 of 4 stars; one submission).

Allele frequency attached by ClinVar (database versions not stated): gnomAD 0.00001; gnomAD exomes 0.00001; TOPMed 0.00001.
gnomAD v4.1: 8 of 1,531,490 alleles (0.00052%); highest among the groups gnomAD compares: Admixed American, 0.0059%; no homozygotes.

Submission:

Labcorp Genetics (formerly Invitae), Labcorp
Classification: Uncertain significance. Last evaluated: 2022-12-31. Review status: criteria provided, single submitter. Criteria: Invitae Variant Classification Sherloc (09022015). Collection method: clinical testing. Allele origin: germline.
Comment: In summary, the available evidence is currently insufficient to determine the role of this variant in disease. Therefore, it has been classified as a Variant of Uncertain Significance. Advanced modeling of protein sequence and biophysical properties (such as structural, functional, and spatial information, amino acid conservation, physicochemical variation, residue mobility, and thermodynamic stability) performed at Invitae indicates that this missense variant is not expected to disrupt NEFH protein function. ClinVar contains an entry for this variant (Variation ID: 1477543). This variant has not been reported in the literature in individuals affected with NEFH-related conditions. The frequency data for this variant in the population databases is considered unreliable, as metrics indicate poor data quality at this position in the gnomAD database. This sequence change replaces alanine, which is neutral and non-polar, with serine, which is neutral and polar, at codon 250 of the NEFH protein (p.Ala250Ser).